The following is an entry in ClinVar:

ClinVar aggregate classification (germline): Uncertain significance. Review status: criteria provided, multiple submitters, no conflicts (2 of 4 stars). 2 submissions from 2 submitters: Uncertain significance (2). Last evaluated 2025-12-17.

Conditions:
Hereditary cancer-predisposing syndrome. Also called: Neoplastic Syndromes, Hereditary; Hereditary Cancer Syndrome; Hereditary neoplastic syndrome; Tumor predisposition. Identifiers: Orphanet 140162, MedGen C0027672, MeSH D009386, MONDO:0015356.
Rhabdoid tumor predisposition syndrome 2 (RTPS2). Identifiers: Orphanet 231108, Orphanet 69077, MedGen C2750074, MONDO:0013224, OMIM 613325.

Submissions (2):

Labcorp Genetics (formerly Invitae), Labcorp
Classification: Uncertain significance for Rhabdoid tumor predisposition syndrome 2. Last evaluated: 2025-12-17. Review status: criteria provided, single submitter. Criteria: Invitae Variant Classification Sherloc (09022015). Collection method: clinical testing. Allele origin: germline.
Comment: This sequence change replaces aspartic acid, which is acidic and polar, with glycine, which is neutral and non-polar, at codon 86 of the SMARCA4 protein (p.Asp86Gly). This variant is not present in population databases (gnomAD no frequency). This variant has not been reported in the literature in individuals affected with SMARCA4-related conditions. ClinVar contains an entry for this variant (Variation ID: 1058547). Invitae Evidence Modeling of protein sequence and biophysical properties (such as structural, functional, and spatial information, amino acid conservation, physicochemical variation, residue mobility, and thermodynamic stability) indicates that this missense variant is not expected to disrupt SMARCA4 protein function with a negative predictive value of 95%. In summary, the available evidence is currently insufficient to determine the role of this variant in disease. Therefore, it has been classified as a Variant of Uncertain Significance.

Ambry Genetics
Classification: Uncertain significance for Hereditary cancer-predisposing syndrome. Last evaluated: 2022-06-27. Review status: criteria provided, single submitter. Criteria: Ambry Variant Classification Scheme 2023. Collection method: clinical testing. Allele origin: germline.
Comment: The p.D86G variant (also known as c.257A>G), located in coding exon 2 of the SMARCA4 gene, results from an A to G substitution at nucleotide position 257. The aspartic acid at codon 86 is replaced by glycine, an amino acid with similar properties. This amino acid position is not well conserved in available vertebrate species. In addition, the in silico prediction for this alteration is inconclusive. Missense and in-frame variants in SMARCA4 are known to cause neurodevelopmental disorders; however, such associations with rhabdoid tumor predisposition syndrome including small cell carcinoma of the ovary-hypercalcemic type (SCCOHT) are exceedingly rare (Kosho T et al. Am J Med Genet C Semin Med Genet. 2014 Sep;166C(3):262-75; Jelinic P et al. Nat Genet. 2014 May;46(5):424-6). Based on the supporting evidence, the association of this alteration with Coffin-Siris syndrome is unknown; however, the association of this alteration with rhabdoid tumor predisposition syndrome is unlikely.

NM_003072.5(SMARCA4):c.257A>G (p.Asp86Gly)

Gene: SMARCA4 (SWI/SNF related BAF chromatin remodeling complex subunit ATPase 4; plus strand). Cytogenetic location: 19p13.2.
Variant type: single nucleotide variant.
Coding change: c.257A>G on transcript NM_003072.5 (MANE Select); coding-DNA position 257, A replaced by G.
Protein change: p.Asp86Gly; replaces aspartic acid 86 with glycine.
Molecular consequence: missense variant. On other transcripts: non-coding transcript variant (1).
Genome position (GRCh38, 1-based): chr19:10,985,307, A>G. VCF-style: chr19-10985307-A-G. GRCh37 (hg19) VCF-style: chr19-11095983-A-G.
Other names: c.257A>G, p.Asp86Gly (NM_001128844.3, NM_001128845.2, NM_001128846.2 and 5 more transcripts); short protein forms D86G.
Identifiers: ClinVar variation 1058547 (VCV001058547.11), dbSNP rs2145749357, ClinGen allele CA404055149.